The following is an entry in ClinVar:

ClinVar aggregate classification (germline): Uncertain significance (1 of 4 stars; one submission).

Conditions:
Myopathy, proximal, and ophthalmoplegia (CMYO6). Also called: INCLUSION BODY MYOPATHY 3, AUTOSOMAL DOMINANT; MYOPATHY WITH CONGENITAL JOINT CONTRACTURES, OPHTHALMOPLEGIA, AND RIMMED VACUOLES; CONGENITAL MYOPATHY 6 WITH OPHTHALMOPLEGIA. Identifiers: Orphanet 363677, Orphanet 79091, MedGen C1854106, MONDO:0011577, OMIM 605637.

Submission:

Labcorp Genetics (formerly Invitae), Labcorp
Classification: Uncertain significance for Myopathy, proximal, and ophthalmoplegia. Last evaluated: 2023-10-29. Review status: criteria provided, single submitter. Criteria: Invitae Variant Classification Sherloc (09022015). Collection method: clinical testing. Allele origin: germline.
Comment: This variant results in a copy number gain of the genomic region encompassing exon(s) 24-26 of the MYH2 gene. While the exact position of this variant cannot be determined from the data, sub-genic copy number gains are generally in tandem (PMID: 25640679). This variant is predicted to be in-frame, and likely preserves the integrity of the reading frame. This variant has not been reported in the literature in individuals affected with MYH2-related conditions. Experimental studies and prediction algorithms are not available or were not evaluated, and the functional significance of this variant is currently unknown. In summary, the available evidence is currently insufficient to determine the role of this variant in disease. Therefore, it has been classified as a Variant of Uncertain Significance.

Literature cited by the submitters: PubMed 25640679.

NC_000017.10:g.(?_10432459)_(10433077_?)dup

Gene: MYH2 (myosin heavy chain 2; minus strand). Cytogenetic location: 17p13.1.
Variant type: Duplication.
Identifiers: ClinVar variation 1444654 (VCV001444654.8).